The following is an entry in ClinVar:

ClinVar aggregate classification (germline): Uncertain significance. Review status: criteria provided, multiple submitters, no conflicts (2 of 4 stars). 2 submissions from 2 submitters: Uncertain significance (2). Last evaluated 2020-02-28.

Conditions:
Epidermolysis bullosa simplex with nail dystrophy (EBS5D). Identifiers: MedGen C4225309, MONDO:0014661, OMIM 616487.
Epidermolysis bullosa simplex 5C, with pyloric atresia (EBS5C). Also called: PLEC-Related Epidermolysis Bullosa with Pyloric Atresia; Epidermolysis bullosa simplex with pyloric atresia; PLEC1-Related Epidermolysis Bullosa with Pyloric Atresia. Identifiers: Orphanet 158684, MedGen C2677349, MONDO:0012807, OMIM 612138.
Autosomal recessive limb-girdle muscular dystrophy type 2Q (LGMDR17). Also called: MUSCULAR DYSTROPHY, LIMB-GIRDLE, AUTOSOMAL RECESSIVE 17. Identifiers: Orphanet 254361, MedGen C3150989, MONDO:0013390, OMIM 613723.
Epidermolysis bullosa simplex 5B, with muscular dystrophy (EBS5B). Also called: EPIDERMOLYSIS BULLOSA SIMPLEX AND LIMB-GIRDLE MUSCULAR DYSTROPHY; Epidermolysis bullosa simplex with muscular dystrophy. Identifiers: Orphanet 257, MedGen C2931072, MONDO:0009181, OMIM 226670.
Epidermolysis bullosa simplex, Ogna type (EBS5A). Also called: Pidermolysis bullosa simplex 5A, Ogna type; EPIDERMOLYSIS BULLOSA SIMPLEX 5A, OGNA TYPE. Identifiers: Orphanet 79401, MedGen C0432317, MONDO:0007555, OMIM 131950.

Allele frequency attached by ClinVar (database versions not stated): gnomAD 0.00003.
gnomAD v4.1: 1 of 1,604,686 alleles (0.000062%); highest among the groups gnomAD compares: East Asian, 0.0022%; no homozygotes.

Submissions (2):

Labcorp Genetics (formerly Invitae), Labcorp
Classification: Uncertain significance for Autosomal recessive limb-girdle muscular dystrophy type 2Q; Epidermolysis bullosa simplex, Ogna type; Epidermolysis bullosa simplex with nail dystrophy; Epidermolysis bullosa simplex 5C, with pyloric atresia; Epidermolysis bullosa simplex 5B, with muscular dystrophy. Last evaluated: 2020-02-28. Review status: criteria provided, single submitter. Criteria: Invitae Variant Classification Sherloc (09022015). Collection method: clinical testing. Allele origin: germline.
Comment: In summary, the available evidence is currently insufficient to determine the role of this variant in disease. Therefore, it has been classified as a Variant of Uncertain Significance. Algorithms developed to predict the effect of missense changes on protein structure and function are either unavailable or do not agree on the potential impact of this missense change (SIFT: "Deleterious"; PolyPhen-2: "Probably Damaging"; Align-GVGD: "Class C15"). This variant has not been reported in the literature in individuals with PLEC-related conditions. ClinVar contains an entry for this variant (Variation ID: 283098). This variant is not present in population databases (ExAC no frequency). This sequence change replaces serine with cysteine at codon 4255 of the PLEC protein (p.Ser4255Cys). The serine residue is highly conserved and there is a moderate physicochemical difference between serine and cysteine.

Eurofins Ntd Llc (ga)
Classification: Uncertain significance. Last evaluated: 2015-09-15. Review status: criteria provided, single submitter. Criteria: EGL Classification Definitions 2015. Collection method: clinical testing. Allele origin: germline. Observed: 1 variant allele, 1 heterozygote.

NM_201384.3(PLEC):c.12683C>G (p.Ser4228Cys)

Gene: PLEC (plectin; minus strand). Cytogenetic location: 8q24.3.
Variant type: single nucleotide variant.
Coding change: c.12683C>G on transcript NM_201384.3 (MANE Select); coding-DNA position 12683, C replaced by G.
Protein change: p.Ser4228Cys; replaces serine 4228 with cysteine.
Molecular consequence: missense variant.
Genome position (GRCh38, 1-based): chr8:143,917,138, G>C on the plus strand (C>G on the coding strand, the complement: PLEC is on the minus strand). VCF-style: chr8-143917138-G-C. GRCh37 (hg19) VCF-style: chr8-144991306-G-C.
Other names: c.12764C>G, p.Ser4255Cys (NM_000445.5); c.12641C>G, p.Ser4214Cys (NM_201378.4); c.12617C>G, p.Ser4206Cys (NM_201379.3); c.13094C>G, p.Ser4365Cys (NM_201380.4); c.12587C>G, p.Ser4196Cys (NM_201381.3); c.12683C>G, p.Ser4228Cys (NM_201382.4); c.12695C>G, p.Ser4232Cys (NM_201383.3); short protein forms S4365C, S4206C, S4232C, S4196C, S4228C, S4214C, S4255C.
Identifiers: ClinVar variation 283098 (VCV000283098.13), dbSNP rs886044804, ClinGen allele CA10604397.